The following is an entry in ClinVar:

ClinVar aggregate classification (germline): Uncertain significance (1 of 4 stars; one submission).

Submission:

Labcorp Genetics (formerly Invitae), Labcorp
Classification: Uncertain significance. Last evaluated: 2025-11-06. Review status: criteria provided, single submitter. Criteria: Invitae Variant Classification Sherloc (09022015). Collection method: clinical testing. Allele origin: germline.
Comment: This sequence change replaces lysine, which is basic and polar, with glutamine, which is neutral and polar, at codon 380 of the TTBK2 protein (p.Lys380Gln). This variant is not present in population databases (gnomAD no frequency). This variant has not been reported in the literature in individuals affected with TTBK2-related conditions. Invitae Evidence Modeling of protein sequence and biophysical properties (such as structural, functional, and spatial information, amino acid conservation, physicochemical variation, residue mobility, and thermodynamic stability) indicates that this missense variant is not expected to disrupt TTBK2 protein function with a negative predictive value of 80%. In summary, the available evidence is currently insufficient to determine the role of this variant in disease. Therefore, it has been classified as a Variant of Uncertain Significance.

NM_173500.4(TTBK2):c.1138A>C (p.Lys380Gln)

Gene: TTBK2 (tau tubulin kinase 2; minus strand). Cytogenetic location: 15q15.2.
Variant type: single nucleotide variant.
Coding change: c.1138A>C on transcript NM_173500.4 (MANE Select); coding-DNA position 1138, A replaced by C.
Protein change: p.Lys380Gln; replaces lysine 380 with glutamine.
Molecular consequence: missense variant.
Genome position (GRCh38, 1-based): chr15:42,783,478, T>G on the plus strand (A>C on the coding strand, the complement: TTBK2 is on the minus strand). VCF-style: chr15-42783478-T-G. GRCh37 (hg19) VCF-style: chr15-43075676-T-G.
Other names: short protein forms K380Q.
Identifiers: ClinVar variation 4744050 (VCV004744050.1).